The following is an entry in ClinVar:

NM_001375883.1(GPR161):c.662A>G (p.Lys221Arg)

Gene: GPR161 (G protein-coupled receptor 161; minus strand). Cytogenetic location: 1q24.2.
Variant type: single nucleotide variant.
Coding change: c.662A>G on transcript NM_001375883.1 (MANE Select); coding-DNA position 662, A replaced by G.
Protein change: p.Lys221Arg; replaces lysine 221 with arginine.
Molecular consequence: missense variant.
Genome position (GRCh38, 1-based): chr1:168,096,945, T>C on the plus strand (A>G on the coding strand, the complement: GPR161 is on the minus strand). VCF-style: chr1-168096945-T-C. GRCh37 (hg19) VCF-style: chr1-168066183-T-C.
Other names: c.662A>G (NM_153832.1); c.713A>G, p.Lys238Arg (NM_001267611.1); c.266A>G, p.Lys89Arg (NM_001267612.2, NM_001349635.1); c.428A>G, p.Lys143Arg (NM_001267613.1); c.320A>G, p.Lys107Arg (NM_001267614.1); c.662A>G, p.Lys221Arg (NM_001349632.1, NM_001349633.1, NM_001349634.1 and 5 more transcripts); c.722A>G, p.Lys241Arg (NM_001267609.1); short protein forms K143R, K238R, K89R, K107R, K221R, K241R.
Identifiers: ClinVar variation 3631204 (VCV003631204.3).

ClinVar aggregate classification (germline): Uncertain significance. Review status: criteria provided, multiple submitters, no conflicts (2 of 4 stars). 2 submissions from 2 submitters: Uncertain significance (2). Last evaluated 2025-08-13.

gnomAD v4.1: 82 of 1,614,024 alleles (0.0051%); highest among the groups gnomAD compares: East Asian, 0.013%; no homozygotes.

Submissions (2):

Ambry Genetics
Classification: Uncertain significance. Last evaluated: 2025-08-13. Review status: criteria provided, single submitter. Criteria: Ambry Variant Classification Scheme 2023. Collection method: clinical testing. Allele origin: germline.

Labcorp Genetics (formerly Invitae), Labcorp
Classification: Uncertain significance. Last evaluated: 2025-07-29. Review status: criteria provided, single submitter. Criteria: Invitae Variant Classification Sherloc (09022015). Collection method: clinical testing. Allele origin: germline.
Comment: This sequence change replaces lysine, which is basic and polar, with arginine, which is basic and polar, at codon 241 of the GPR161 protein (p.Lys241Arg). This variant is present in population databases (rs150946852, gnomAD 0.03%). This variant has not been reported in the literature in individuals affected with GPR161-related conditions. ClinVar contains an entry for this variant (Variation ID: 3631204). An algorithm developed to predict the effect of missense changes on protein structure and function (PolyPhen-2) suggests that this variant is likely to be tolerated. In summary, the available evidence is currently insufficient to determine the role of this variant in disease. Therefore, it has been classified as a Variant of Uncertain Significance.